The following is an entry in ClinVar:

ClinVar aggregate classification (germline): Uncertain significance. Review status: criteria provided, multiple submitters, no conflicts (2 of 4 stars). 2 submissions from 2 submitters: Uncertain significance (2). Last evaluated 2022-07-25.

Conditions:
Cohen syndrome (COH1). Also called: PEPPER SYNDROME; Cutis verticis gyrata, retinitis pigmentosa, and sensorineural deafness. Identifiers: Orphanet 193, MedGen C0265223, MONDO:0008999, OMIM 216550.

gnomAD v4.1: 8 of 1,584,696 alleles (0.0005%); highest among the groups gnomAD compares: Non-Finnish European, 0.00069%; no homozygotes.

Submissions (2):

Labcorp Genetics (formerly Invitae), Labcorp
Classification: Uncertain significance for Cohen syndrome. Last evaluated: 2022-07-25. Review status: criteria provided, single submitter. Criteria: Invitae Variant Classification Sherloc (09022015). Collection method: clinical testing. Allele origin: germline.
Comment: This sequence change falls in intron 2 of the VPS13B gene. It does not directly change the encoded amino acid sequence of the VPS13B protein. This variant is not present in population databases (gnomAD no frequency). This variant has not been reported in the literature in individuals affected with VPS13B-related conditions. ClinVar contains an entry for this variant (Variation ID: 1065680). Algorithms developed to predict the effect of sequence changes on RNA splicing suggest that this variant may create or strengthen a splice site. In summary, the available evidence is currently insufficient to determine the role of this variant in disease. Therefore, it has been classified as a Variant of Uncertain Significance.

Ocular Genomics Institute, Massachusetts Eye and Ear
Classification: Uncertain significance for Cohen syndrome. Last evaluated: 2021-04-08. Review status: criteria provided, single submitter. Criteria: ACMG Guidelines, 2015. Collection method: research. Allele origin: germline. Affected: yes.
Comment: Through a review of available evidence we were able to apply the following criteria: PM2. Based on this evidence we have classified this variant as Variant of Uncertain Significance.

NM_152564.5(VPS13B):c.148-17A>G

Gene: VPS13B (vacuolar protein sorting 13 homolog B; plus strand). Cytogenetic location: 8q22.2.
Variant type: single nucleotide variant.
Coding change: c.148-17A>G on transcript NM_152564.5 (MANE Select); 17 bases into the intron before coding-DNA position 148, A replaced by G.
Molecular consequence: intron variant.
Genome position (GRCh38, 1-based): chr8:99,038,406, A>G. VCF-style: chr8-99038406-A-G. GRCh37 (hg19) VCF-style: chr8-100050634-A-G.
Other names: c.148-17A>G (NM_017890.5, NM_015243.3, NM_181661.3).
Identifiers: ClinVar variation 1065680 (VCV001065680.6), dbSNP rs2132221851, ClinGen allele CA2499219460.